The following is an entry in ClinVar:

NM_001040108.2(MLH3):c.1757A>G (p.Glu586Gly)

Gene: MLH3 (mutL homolog 3; minus strand). Cytogenetic location: 14q24.3.
Variant type: single nucleotide variant.
Coding change: c.1757A>G on transcript NM_001040108.2 (MANE Select); coding-DNA position 1757, A replaced by G.
Protein change: p.Glu586Gly; replaces glutamic acid 586 with glycine.
Molecular consequence: missense variant.
Genome position (GRCh38, 1-based): chr14:75,047,899, T>C on the plus strand (A>G on the coding strand, the complement: MLH3 is on the minus strand). VCF-style: chr14-75047899-T-C. GRCh37 (hg19) VCF-style: chr14-75514602-T-C.
Other names: c.1757A>G, p.Glu586Gly (NM_014381.3); short protein forms E586G.
Identifiers: ClinVar variation 4055429 (VCV004055429.1).

ClinVar aggregate classification (germline): Uncertain significance (1 of 4 stars; one submission).

Submission:

Ambry Genetics
Classification: Uncertain significance. Last evaluated: 2025-04-05. Review status: criteria provided, single submitter. Criteria: Ambry Variant Classification Scheme 2023. Collection method: clinical testing. Allele origin: germline.
Comment: The p.E586G variant (also known as c.1757A>G), located in coding exon 1 of the MLH3 gene, results from an A to G substitution at nucleotide position 1757. The glutamic acid at codon 586 is replaced by glycine, an amino acid with similar properties. This amino acid position is conserved. In addition, this alteration is predicted to be tolerated by in silico analysis. Based on the available evidence, the clinical significance of this variant remains unclear.